The following is an entry in ClinVar:

NM_001365951.3(KIF1B):c.3544G>T (p.Asp1182Tyr)

Gene: KIF1B (kinesin family member 1B; plus strand). Cytogenetic location: 1p36.22.
Variant type: single nucleotide variant.
Coding change: c.3544G>T on transcript NM_001365951.3 (MANE Select); coding-DNA position 3544, G replaced by T.
Protein change: p.Asp1182Tyr; replaces aspartic acid 1182 with tyrosine.
Molecular consequence: missense variant.
Genome position (GRCh38, 1-based): chr1:10,342,080, G>T. VCF-style: chr1-10342080-G-T. GRCh37 (hg19) VCF-style: chr1-10402138-G-T.
Other names: c.3544G>T, p.Asp1182Tyr (NM_001365952.1); c.3406G>T, p.Asp1136Tyr (NM_015074.3); short protein forms D1136Y, D1182Y.
Identifiers: ClinVar variation 1731129 (VCV001731129.2), dbSNP rs2521752078, ClinGen allele CA338341601.

ClinVar aggregate classification (germline): Uncertain significance (1 of 4 stars; one submission).

gnomAD v4.1: 1 of 1,612,392 alleles (0.000062%); no homozygotes.

Submission:

Ambry Genetics
Classification: Uncertain significance. Last evaluated: 2023-10-09. Review status: criteria provided, single submitter. Criteria: Ambry Variant Classification Scheme 2023. Collection method: clinical testing. Allele origin: germline.
Comment: The p.D1136Y variant (also known as c.3406G>T), located in coding exon 30 of the KIF1B gene, results from a G to T substitution at nucleotide position 3406. The aspartic acid at codon 1136 is replaced by tyrosine, an amino acid with highly dissimilar properties. This amino acid position is not well conserved in available vertebrate species. In addition, the in silico prediction for this alteration is inconclusive. Since supporting evidence is limited at this time, the clinical significance of this alteration remains unclear.